The following is an entry in ClinVar:

ClinVar aggregate classification (germline): Uncertain significance (1 of 4 stars; one submission).

Allele frequency attached by ClinVar (database versions not stated): gnomAD exomes below 0.00001; TOPMed below 0.00001; gnomAD 0.00001.
gnomAD v4.1: 3 of 1,609,526 alleles (0.00019%); highest among the groups gnomAD compares: African/African-American, 0.004%; no homozygotes.

Submission:

Labcorp Genetics (formerly Invitae), Labcorp
Classification: Uncertain significance. Last evaluated: 2019-12-31. Review status: criteria provided, single submitter. Criteria: Invitae Variant Classification Sherloc (09022015). Collection method: clinical testing. Allele origin: germline.
Comment: In summary, the available evidence is currently insufficient to determine the role of this variant in disease. Therefore, it has been classified as a Variant of Uncertain Significance. Nucleotide substitutions within the consensus splice site are a relatively common cause of aberrant splicing (PMID: 17576681, 9536098). Algorithms developed to predict the effect of sequence changes on RNA splicing suggest that this variant is not likely to affect RNA splicing, but this prediction has not been confirmed by published transcriptional studies. This variant has not been reported in the literature in individuals with ABCA4-related conditions. This variant is not present in population databases (ExAC no frequency). This sequence change falls in intron 34 of the ABCA4 gene. It does not directly change the encoded amino acid sequence of the ABCA4 protein, but it affects a nucleotide within the consensus splice site of the intron.

Literature cited by the submitters: PubMed 17576681; PubMed 9536098.

NM_000350.3(ABCA4):c.4848+4C>T

Genes: ABCA4 (ATP binding cassette subfamily A member 4; minus strand), LOC126805793 (CDK7 strongly-dependent group 2 enhancer GRCh37_chr1:94486302-94487501; plus strand). Cytogenetic location: 1p22.1.
Variant type: single nucleotide variant.
Coding change: c.4848+4C>T on transcript NM_000350.3 (MANE Select); 4 bases into the intron after coding-DNA position 4848, C replaced by T.
Molecular consequence: intron variant.
Genome position (GRCh38, 1-based): chr1:94,021,636, G>A on the plus strand (C>T on the coding strand, the complement: ABCA4 is on the minus strand). VCF-style: chr1-94021636-G-A. GRCh37 (hg19) VCF-style: chr1-94487192-G-A.
Identifiers: ClinVar variation 860769 (VCV000860769.11), dbSNP rs1659900066, ClinGen allele CA916082056.